The following is an entry in ClinVar:

ClinVar aggregate classification (germline): Likely benign (1 of 4 stars; one submission).

gnomAD v4.1: 2 of 1,613,938 alleles (0.00012%); highest among the groups gnomAD compares: South Asian, 0.0011%; no homozygotes.

Submission:

CeGaT Center for Human Genetics Tuebingen
Classification: Likely benign. Last evaluated: 2025-05-01. Review status: criteria provided, single submitter. Criteria: CeGaT Center For Human Genetics Tuebingen Variant Classification Criteria Version 2. Collection method: clinical testing. Allele origin: germline. Affected: yes. Observed: 1 variant allele.
Comment: ANKRD11: BP4, BP7

NM_013275.6(ANKRD11):c.3126C>T (p.Ile1042=)

Gene: ANKRD11 (ankyrin repeat domain 11; minus strand). Cytogenetic location: 16q24.3.
Variant type: single nucleotide variant.
Coding change: c.3126C>T on transcript NM_013275.6 (MANE Select); coding-DNA position 3126, C replaced by T.
Protein change: p.Ile1042=; no amino-acid change (isoleucine 1042 retained).
Molecular consequence: synonymous variant.
Genome position (GRCh38, 1-based): chr16:89,283,416, G>A on the plus strand (C>T on the coding strand, the complement: ANKRD11 is on the minus strand). VCF-style: chr16-89283416-G-A. GRCh37 (hg19) VCF-style: chr16-89349824-G-A.
Other names: c.3126C>T, p.Ile1042= (NM_001256182.2, NM_001256183.2).
Identifiers: ClinVar variation 3905814 (VCV003905814.10).